The following is an entry in ClinVar:

NM_001258392.3(CLPB):c.1402G>T (p.Ala468Ser)

Gene: CLPB (ClpB family mitochondrial disaggregase; minus strand). Cytogenetic location: 11q13.4.
Variant type: single nucleotide variant.
Coding change: c.1402G>T on transcript NM_001258392.3 (MANE Select); coding-DNA position 1402, G replaced by T.
Protein change: p.Ala468Ser; replaces alanine 468 with serine.
Molecular consequence: missense variant.
Genome position (GRCh38, 1-based): chr11:72,295,576, C>A on the plus strand (G>T on the coding strand, the complement: CLPB is on the minus strand). VCF-style: chr11-72295576-C-A. GRCh37 (hg19) VCF-style: chr11-72006620-C-A.
Other names: c.1315G>T, p.Ala439Ser (NM_001258393.3); c.1357G>T, p.Ala453Ser (NM_001258394.3); c.1492G>T, p.Ala498Ser (NM_030813.6); short protein forms A439S, A453S, A468S, A498S.
Identifiers: ClinVar variation 4741014 (VCV004741014.1).

ClinVar aggregate classification (germline): Uncertain significance (1 of 4 stars; one submission).

Conditions:
3-methylglutaconic aciduria, type VIIB (MGCA7B). Also called: CLPB Deficiency; 3-methylglutaconic aciduria, type VII, with cataracts, neurologic involvement and neutropenia; 3-methylglutaconic aciduria with cataracts, neurologic involvement and neutropenia. Identifiers: Orphanet 445038, MedGen C5676893, MONDO:0014561, OMIM 616271.

Submission:

Labcorp Genetics (formerly Invitae), Labcorp
Classification: Uncertain significance for 3-methylglutaconic aciduria, type VIIB. Last evaluated: 2025-04-13. Review status: criteria provided, single submitter. Criteria: Invitae Variant Classification Sherloc (09022015). Collection method: clinical testing. Allele origin: germline.
Comment: This sequence change replaces alanine, which is neutral and non-polar, with serine, which is neutral and polar, at codon 498 of the CLPB protein (p.Ala498Ser). This variant is not present in population databases (gnomAD no frequency). This variant has not been reported in the literature in individuals affected with CLPB-related conditions. An algorithm developed to predict the effect of missense changes on protein structure and function (PolyPhen-2) suggests that this variant is likely to be disruptive. In summary, the available evidence is currently insufficient to determine the role of this variant in disease. Therefore, it has been classified as a Variant of Uncertain Significance.